The following is an entry in ClinVar:

ClinVar aggregate classification (germline): Uncertain significance. Review status: criteria provided, multiple submitters, no conflicts (2 of 4 stars). 3 submissions from 2 submitters: Uncertain significance (3). Last evaluated 2025-04-23.

Conditions:
Cardiovascular phenotype. Identifiers: MedGen CN230736.
Familial hypobetalipoproteinemia 1. Also called: APOB-Related Familial Hypobetalipoproteinemia; Hypobetalipoproteinemia, normotriglyceridemic; Acanthocytosis with hypobetalipoproteinemia. Identifiers: MedGen C4551990, MONDO:0014252, OMIM 615558.
Hypercholesterolemia, autosomal dominant, type B (FHCL2). Also called: Hyperlipoproteinemia Type IIb; APOLIPOPROTEIN B-100, FAMILIAL DEFECTIVE; APOLIPOPROTEIN B-100, FAMILIAL LIGAND-DEFECTIVE; HYPERCHOLESTEROLEMIA, FAMILIAL, DUE TO LIGAND-DEFECTIVE APOLIPOPROTEIN B; APOB-Related Familial Hypercholesterolemia, Autosomal Dominant; Familial Hypercholesterolemia Type B. Identifiers: MedGen C1704417, MONDO:0007751, OMIM 144010.

Allele frequency attached by ClinVar (database versions not stated): gnomAD 0.00001; ExAC 0.00002; TOPMed 0.00003; ESP Exome Variant Server 0.00008.
gnomAD v4.1: 13 of 1,614,066 alleles (0.00081%); highest among the groups gnomAD compares: African/African-American, 0.0053%; no homozygotes.

Submissions (3):

Ambry Genetics
Classification: Uncertain significance for Cardiovascular phenotype. Last evaluated: 2025-04-23. Review status: criteria provided, single submitter. Criteria: Ambry Variant Classification Scheme 2023. Collection method: clinical testing. Allele origin: germline.
Comment: The p.V1350M variant (also known as c.4048G>A), located in coding exon 25 of the APOB gene, results from a G to A substitution at nucleotide position 4048. The valine at codon 1350 is replaced by methionine, an amino acid with highly similar properties. This amino acid position is conserved. In addition, this alteration is predicted to be tolerated by in silico analysis. Based on the available evidence, the clinical significance of this variant remains unclear.

Illumina Laboratory Services, Illumina
Classification: Uncertain significance for Familial hypobetalipoproteinemia 1. Last evaluated: 2018-01-12. Review status: criteria provided, single submitter. Criteria: ICSL Variant Classification Criteria 13 December 2019. Collection method: clinical testing. Allele origin: germline.

Illumina Laboratory Services, Illumina
Classification: Uncertain significance for Hypercholesterolemia, autosomal dominant, type B. Last evaluated: 2018-01-12. Review status: criteria provided, single submitter. Criteria: ICSL Variant Classification Criteria 13 December 2019. Collection method: clinical testing. Allele origin: germline.

NM_000384.3(APOB):c.4048G>A (p.Val1350Met)

Gene: APOB (apolipoprotein B; minus strand). Cytogenetic location: 2p24.1.
Variant type: single nucleotide variant.
Coding change: c.4048G>A on transcript NM_000384.3 (MANE Select); coding-DNA position 4048, G replaced by A.
Protein change: p.Val1350Met; replaces valine 1350 with methionine.
Molecular consequence: missense variant.
Genome position (GRCh38, 1-based): chr2:21,013,328, C>T on the plus strand (G>A on the coding strand, the complement: APOB is on the minus strand). VCF-style: chr2-21013328-C-T. GRCh37 (hg19) VCF-style: chr2-21236200-C-T.
Other names: short protein forms V1350M.
Identifiers: ClinVar variation 895632 (VCV000895632.5), dbSNP rs371083133, ClinGen allele CA060405.